The following is an entry in ClinVar:

NM_000094.4(COL7A1):c.6331G>A (p.Gly2111Arg)

Gene: COL7A1 (collagen type VII alpha 1 chain; minus strand). Cytogenetic location: 3p21.31.
Variant type: single nucleotide variant.
Coding change: c.6331G>A on transcript NM_000094.4 (MANE Select); coding-DNA position 6331, G replaced by A.
Protein change: p.Gly2111Arg; replaces glycine 2111 with arginine.
Molecular consequence: missense variant.
Genome position (GRCh38, 1-based): chr3:48,574,814, C>T on the plus strand (G>A on the coding strand, the complement: COL7A1 is on the minus strand). VCF-style: chr3-48574814-C-T. GRCh37 (hg19) VCF-style: chr3-48612247-C-T.
Other names: short protein forms G2111R.
Identifiers: ClinVar variation 2900638 (VCV002900638.3), dbSNP rs2530954883, ClinGen allele CA352659677.

ClinVar aggregate classification (germline): Uncertain significance (1 of 4 stars; one submission).

Submission:

Labcorp Genetics (formerly Invitae), Labcorp
Classification: Uncertain significance. Last evaluated: 2022-11-04. Review status: criteria provided, single submitter. Criteria: Invitae Variant Classification Sherloc (09022015). Collection method: clinical testing. Allele origin: germline.
Comment: In summary, the available evidence is currently insufficient to determine the role of this variant in disease. Therefore, it has been classified as a Variant of Uncertain Significance. This variant disrupts the triple helix domain of COL7A1. Glycine residues within the Gly-Xaa-Yaa repeats of the triple helix domain are required for the structure and stability of fibrillar collagens (PMID: 7695699, 8218237, 19344236), and variants at these glycine residues in COL7A1 are more frequently observed in individuals with disease than in the general population (PMID: 22058051). However, the clinical significance of this observation remains uncertain since only a limited number of affected individuals have been described to date. Advanced modeling of protein sequence and biophysical properties (such as structural, functional, and spatial information, amino acid conservation, physicochemical variation, residue mobility, and thermodynamic stability) performed at Invitae indicates that this missense variant is expected to disrupt COL7A1 protein function. This variant has not been reported in the literature in individuals affected with COL7A1-related conditions. This variant is not present in population databases (gnomAD no frequency). This sequence change replaces glycine, which is neutral and non-polar, with arginine, which is basic and polar, at codon 2111 of the COL7A1 protein (p.Gly2111Arg).

Literature cited by the submitters: PubMed 7695699; PubMed 8218237; PubMed 19344236; PubMed 22058051.